The following is an entry in ClinVar:

NM_001330588.2(TPP2):c.332A>T (p.His111Leu)

Gene: TPP2 (tripeptidyl peptidase 2; plus strand). Cytogenetic location: 13q33.1.
Variant type: single nucleotide variant.
Coding change: c.332A>T on transcript NM_001330588.2 (MANE Select); coding-DNA position 332, A replaced by T.
Protein change: p.His111Leu; replaces histidine 111 with leucine.
Molecular consequence: missense variant. On other transcripts: non-coding transcript variant (1).
Genome position (GRCh38, 1-based): chr13:102,614,138, A>T. VCF-style: chr13-102614138-A-T. GRCh37 (hg19) VCF-style: chr13-103266488-A-T.
Other names: c.332A>T, p.His111Leu (NM_001367947.1, NM_003291.4); short protein forms H111L.
Identifiers: ClinVar variation 1429433 (VCV001429433.8), dbSNP rs1230642153, ClinGen allele CA388472262.

ClinVar aggregate classification (germline): Uncertain significance (1 of 4 stars; one submission).

Conditions:
Evans syndrome, immunodeficiency, and premature immunosenescence associated with tripeptidyl-peptidase II deficiency. Identifiers: MedGen CN231723. Disease mechanism: loss of function.

Allele frequency attached by ClinVar (database versions not stated): gnomAD exomes below 0.00001.
gnomAD v4.1: 1 of 1,613,632 alleles (0.000062%); no homozygotes.

Submission:

Labcorp Genetics (formerly Invitae), Labcorp
Classification: Uncertain significance for Evans syndrome, immunodeficiency, and premature immunosenescence associated with tripeptidyl-peptidase II deficiency. Last evaluated: 2023-07-10. Review status: criteria provided, single submitter. Criteria: Invitae Variant Classification Sherloc (09022015). Collection method: clinical testing. Allele origin: germline.
Comment: In summary, the available evidence is currently insufficient to determine the role of this variant in disease. Therefore, it has been classified as a Variant of Uncertain Significance. An algorithm developed to predict the effect of missense changes on protein structure and function (PolyPhen-2) suggests that this variant is likely to be disruptive. ClinVar contains an entry for this variant (Variation ID: 1429433). This variant has not been reported in the literature in individuals affected with TPP2-related conditions. This variant is present in population databases (no rsID available, gnomAD 0.004%). This sequence change replaces histidine, which is basic and polar, with leucine, which is neutral and non-polar, at codon 111 of the TPP2 protein (p.His111Leu).